The following is an entry in ClinVar:

NM_152281.3(GORAB):c.*1064T>A

Gene: GORAB (golgin, RAB6 interacting; plus strand). Cytogenetic location: 1q24.2.
Variant type: single nucleotide variant.
Coding change: c.*1064T>A on transcript NM_152281.3 (MANE Select); 1064 bases downstream of the stop codon, T replaced by A.
Molecular consequence: 3 prime UTR variant. On other transcripts: non-coding transcript variant (1).
Genome position (GRCh38, 1-based): chr1:170,553,526, T>A. VCF-style: chr1-170553526-T-A. GRCh37 (hg19) VCF-style: chr1-170522667-T-A.
Other names: c.*1064T>A (NM_001320252.2).
Identifiers: ClinVar variation 293679 (VCV000293679.6), dbSNP rs6427262, ClinGen allele CA1239380.

ClinVar aggregate classification (germline): Benign. Review status: criteria provided, multiple submitters, no conflicts (2 of 4 stars). 2 submissions from 2 submitters: Benign (2). Last evaluated 2018-01-13.

Conditions:
Geroderma osteodysplastica (GO). Also called: WALT DISNEY DWARFISM; Geroderma osteodysplasticum. Identifiers: Orphanet 2078, MedGen C0432255, MONDO:0009271, OMIM 231070.

Allele frequency attached by ClinVar (database versions not stated): gnomAD 0.31699 and 0.32078; TOPMed 0.32167; 1000 Genomes Project 0.32648; gnomAD exomes 0.33868 and 0.34080; ExAC 0.35446.

Submissions (2):

Illumina Laboratory Services, Illumina
Classification: Benign for Geroderma osteodysplastica. Last evaluated: 2018-01-13. Review status: criteria provided, single submitter. Criteria: ICSL Variant Classification Criteria 13 December 2019. Collection method: clinical testing. Allele origin: germline.
Comment: This variant was observed in the ICSL laboratory as part of a predisposition screen in an ostensibly healthy population. It had not been previously curated by ICSL or reported in the Human Gene Mutation Database (HGMD: prior to June 1st, 2018), and was therefore a candidate for classification through an automated scoring system. Utilizing variant allele frequency, disease prevalence and penetrance estimates, and inheritance mode, an automated score was calculated to assess if this variant is too frequent to cause the disease. Based on the score and internal cut-off values, a variant classified as benign is not then subjected to further curation. The score for this variant resulted in a classification of benign for this disease.

Breakthrough Genomics
Classification: Benign. Review status: criteria provided, single submitter. Criteria: ACMG Guidelines, 2015. Collection method: not provided. Allele origin: germline. Inheritance: Autosomal recessive inheritance. Affected: yes.